The following is an entry in ClinVar:

NM_017970.4(NRDE2):c.694A>G (p.Met232Val)

Gene: NRDE2 (NRDE-2, necessary for RNA interference, domain containing; minus strand). Cytogenetic location: 14q32.11.
Variant type: single nucleotide variant.
Coding change: c.694A>G on transcript NM_017970.4 (MANE Select); coding-DNA position 694, A replaced by G.
Protein change: p.Met232Val; replaces methionine 232 with valine.
Molecular consequence: missense variant.
Genome position (GRCh38, 1-based): chr14:90,304,246, T>C on the plus strand (A>G on the coding strand, the complement: NRDE2 is on the minus strand). VCF-style: chr14-90304246-T-C. GRCh37 (hg19) VCF-style: chr14-90770590-T-C.
Other names: short protein forms M232V.
Identifiers: ClinVar variation 3067589 (VCV003067589.21), dbSNP rs771192087, ClinGen allele CA7305460.

ClinVar aggregate classification (germline): Likely benign (1 of 4 stars; one submission).

Allele frequency attached by ClinVar (database versions not stated): ExAC 0.00001; gnomAD exomes 0.00001.
gnomAD v4.1: 5 of 1,614,170 alleles (0.00031%); highest among the groups gnomAD compares: East Asian, 0.0022%; no homozygotes.

Submission:

CeGaT Center for Human Genetics Tuebingen
Classification: Likely benign. Last evaluated: 2024-03-01. Review status: criteria provided, single submitter. Criteria: CeGaT Center For Human Genetics Tuebingen Variant Classification Criteria Version 2. Collection method: clinical testing. Allele origin: germline. Affected: yes. Observed: 1 variant allele.
Comment: NRDE2: BP4